The following is an entry in ClinVar:

NM_002047.4(GARS1):c.1613+159G>A

Gene: GARS1 (glycyl-tRNA synthetase 1; plus strand). Cytogenetic location: 7p14.3.
Variant type: single nucleotide variant.
Coding change: c.1613+159G>A on transcript NM_002047.4 (MANE Select); 159 bases into the intron after coding-DNA position 1613, G replaced by A.
Molecular consequence: intron variant.
Genome position (GRCh38, 1-based): chr7:30,622,621, G>A. VCF-style: chr7-30622621-G-A. GRCh37 (hg19) VCF-style: chr7-30662237-G-A.
Other names: c.1451+159G>A (NM_001316772.1).
Identifiers: ClinVar variation 681718 (VCV000681718.1), dbSNP rs10249885, ClinGen allele CA12535695.

ClinVar aggregate classification (germline): Benign (1 of 4 stars; one submission).

Allele frequency attached by ClinVar (database versions not stated): 1000 Genomes Project 30x 0.39538; 1000 Genomes Project 0.40435; TOPMed 0.46576; gnomAD 0.48563 and 0.48658.
gnomAD v4.1: 474,790 of 820,896 alleles (58%); highest among the groups gnomAD compares: Non-Finnish European, 65%; 146,090 homozygotes.

Submission:

GeneDx
Classification: Benign. Last evaluated: 2018-06-14. Review status: criteria provided, single submitter. Criteria: GeneDx Variant Classification (06012015). Collection method: clinical testing. Allele origin: germline. Affected: yes.
Comment: This variant is considered likely benign or benign based on one or more of the following criteria: it is a conservative change, it occurs at a poorly conserved position in the protein, it is predicted to be benign by multiple in silico algorithms, and/or has population frequency not consistent with disease.